The following is an entry in ClinVar:

NM_000179.3(MSH6):c.1099C>G (p.His367Asp)

Gene: MSH6 (mutS homolog 6; plus strand). Cytogenetic location: 2p16.3.
Variant type: single nucleotide variant.
Coding change: c.1099C>G on transcript NM_000179.3 (MANE Select); coding-DNA position 1099, C replaced by G.
Protein change: p.His367Asp; replaces histidine 367 with aspartic acid.
Molecular consequence: missense variant. On other transcripts: non-coding transcript variant (4), intron variant (1).
Genome position (GRCh38, 1-based): chr2:47,799,082, C>G. VCF-style: chr2-47799082-C-G. GRCh37 (hg19) VCF-style: chr2-48026221-C-G.
Other names: c.802C>G, p.His268Asp (NM_001406821.1, NM_001406822.1, NM_001406824.1 and 10 more transcripts); c.193C>G, p.His65Asp (NM_001406823.1, NM_001406829.1, NM_001281493.2 and 6 more transcripts); c.931C>G, p.His311Asp (NM_001406826.1); c.628-1584C>G (NM_001407362.1); c.709C>G, p.His237Asp (NM_001281492.2); c.1195C>G, p.His399Asp (NM_001406795.1, NM_001406802.1); c.1099C>G, p.His367Asp (NM_001406796.1, NM_001406798.1, NM_001406800.1 and 4 more transcripts); c.574C>G, p.His192Asp (NM_001406799.1, NM_001406806.1, NM_001406807.1); and 2 more; short protein forms H192D, H268D, H399D, H311D, H341D, H367D, H369D, H65D.
Identifiers: ClinVar variation 2839106 (VCV002839106.3), dbSNP rs201193496, ClinGen allele CA346741905.

ClinVar aggregate classification (germline): Uncertain significance (1 of 4 stars; one submission).

Conditions:
Hereditary nonpolyposis colorectal neoplasms. Identifiers: MedGen C0009405, MeSH D003123.

Submission:

Labcorp Genetics (formerly Invitae), Labcorp
Classification: Uncertain significance for Hereditary nonpolyposis colorectal neoplasms. Last evaluated: 2023-02-20. Review status: criteria provided, single submitter. Criteria: Invitae Variant Classification Sherloc (09022015). Collection method: clinical testing. Allele origin: germline.
Comment: In summary, the available evidence is currently insufficient to determine the role of this variant in disease. Therefore, it has been classified as a Variant of Uncertain Significance. Advanced modeling of protein sequence and biophysical properties (such as structural, functional, and spatial information, amino acid conservation, physicochemical variation, residue mobility, and thermodynamic stability) has been performed at Invitae for this missense variant, however the output from this modeling did not meet the statistical confidence thresholds required to predict the impact of this variant on MSH6 protein function. This variant has not been reported in the literature in individuals affected with MSH6-related conditions. This variant is not present in population databases (gnomAD no frequency). This sequence change replaces histidine, which is basic and polar, with aspartic acid, which is acidic and polar, at codon 367 of the MSH6 protein (p.His367Asp).